The following is an entry in ClinVar:

ClinVar aggregate classification (germline): Uncertain significance (1 of 4 stars; one submission).

gnomAD v4.1: 5 of 1,612,024 alleles (0.00031%); highest among the groups gnomAD compares: Non-Finnish European, 0.00042%; no homozygotes.

Submission:

Labcorp Genetics (formerly Invitae), Labcorp
Classification: Uncertain significance. Last evaluated: 2025-05-26. Review status: criteria provided, single submitter. Criteria: Invitae Variant Classification Sherloc (09022015). Collection method: clinical testing. Allele origin: germline.
Comment: This sequence change replaces phenylalanine, which is neutral and non-polar, with leucine, which is neutral and non-polar, at codon 2233 of the ZDBF2 protein (p.Phe2233Leu). This variant is present in population databases (rs763549391, gnomAD 0.0009%). This variant has not been reported in the literature in individuals affected with ZDBF2-related conditions. An algorithm developed to predict the effect of missense changes on protein structure and function outputs the following: PolyPhen-2: "Benign". The leucine amino acid residue is found in multiple mammalian species, which suggests that this missense change does not adversely affect protein function. In summary, the available evidence is currently insufficient to determine the role of this variant in disease. Therefore, it has been classified as a Variant of Uncertain Significance.

NM_020923.3(ZDBF2):c.6697T>C (p.Phe2233Leu)

Gene: ZDBF2 (zinc finger DBF-type containing 2; plus strand). Cytogenetic location: 2q33.3.
Variant type: single nucleotide variant.
Coding change: c.6697T>C on transcript NM_020923.3 (MANE Select); coding-DNA position 6697, T replaced by C.
Protein change: p.Phe2233Leu; replaces phenylalanine 2233 with leucine.
Molecular consequence: missense variant.
Genome position (GRCh38, 1-based): chr2:206,311,225, T>C. VCF-style: chr2-206311225-T-C. GRCh37 (hg19) VCF-style: chr2-207175949-T-C.
Other names: c.6691T>C, p.Phe2231Leu (NM_001285549.2); c.6697T>C, p.Phe2233Leu (NM_001369654.1); short protein forms F2233L, F2231L.
Identifiers: ClinVar variation 4693390 (VCV004693390.1).